The following is an entry in ClinVar:

ClinVar aggregate classification (germline): Likely pathogenic (1 of 4 stars; one submission).

Conditions:
Autosomal dominant nonsyndromic hearing loss 64. Identifiers: Orphanet 90635, MedGen C3279948, MONDO:0013593, OMIM 614152.

Allele frequency attached by ClinVar (database versions not stated): gnomAD exomes below 0.00001.
gnomAD v4.1: 2 of 1,611,970 alleles (0.00012%); highest among the groups gnomAD compares: Non-Finnish European, 0.00017%; no homozygotes.

Submission:

Laboratory of Prof. Karen Avraham, Tel Aviv University
Classification: Likely pathogenic for Autosomal dominant nonsyndromic hearing loss 64. Last evaluated: 2024-05-06. Review status: criteria provided, single submitter. Criteria: ACMG Guidelines, 2015. Collection method: research. Allele origin: germline. Affected: yes. Observed: 1 variant allele.
Comment: A frameshit variant in a known dominant deafness gene

DFNA64; severe-profound HL

NM_001371333.1(DIABLO):c.718T>C (p.Ter240Arg)

Genes: B3GNT4 (UDP-GlcNAc:betaGal beta-1,3-N-acetylglucosaminyltransferase 4; plus strand), DIABLO (diablo IAP-binding mitochondrial protein; minus strand). Cytogenetic location: 12q24.31.
Variant type: single nucleotide variant.
Coding change: c.718T>C on transcript NM_001371333.1 (MANE Select); coding-DNA position 718, T replaced by C.
Protein change: p.Ter240Arg.
Molecular consequence: stop lost. On other transcripts: 3 prime UTR variant (2).
Genome position (GRCh38, 1-based): chr12:122,208,383, A>G on the plus strand (T>C on the coding strand, the complement: DIABLO is on the minus strand). VCF-style: chr12-122208383-A-G. GRCh37 (hg19) VCF-style: chr12-122692930-A-G.
Other names: c.427T>C, p.Ter143Arg (NM_001278302.1); c.499T>C, p.Ter167Arg (NM_001278303.1); c.559T>C, p.Ter187Arg (NM_001278304.2, NM_138930.3); c.586T>C, p.Ter196Arg (NM_001278342.1); c.718T>C, p.Ter240Arg (NM_019887.6); c.*995A>G (NM_001330492.2, NM_030765.4).
Identifiers: ClinVar variation 3250381 (VCV003250381.1), dbSNP rs2547123498.
Genomic context (GRCh38, chr12:122,208,383, plus strand): 5'-TGGCATCTGCCCCTGCTTTCCCCACTGAGTGGGGAGACAGGGCAGTGTGCTCAGGCCCTC[A>G]ATCCTCACGCAGGTAGGCCTCCTGCTCCGACTCAGCCCGCTCCTCCCCTTCCTCCTGTGT-3'